The following is an entry in ClinVar:

ClinVar aggregate classification (germline): Uncertain significance. Review status: criteria provided, multiple submitters, no conflicts (2 of 4 stars). 3 submissions from 3 submitters: Uncertain significance (3). Last evaluated 2026-08-28.

Conditions:
PKD1-related disorder. Also called: PKD1-related condition.
Polycystic kidney disease, adult type (PKD1). Also called: POLYCYSTIC KIDNEY DISEASE, ADULT, TYPE I; Polycystic Kidney Disease 1, Autosomal Dominant; Polycystic kidney disease 1; Polycystic kidney disease 1, severe; Polycystic Kidney, Autosomal Dominant; POLYCYSTIC KIDNEY DISEASE 1 WITH OR WITHOUT POLYCYSTIC LIVER DISEASE. Identifiers: MedGen C3149841, MONDO:0008263, OMIM 173900.

Allele frequency attached by ClinVar (database versions not stated): ExAC 0.00006.
gnomAD v4.1: 180 of 1,605,952 alleles (0.011%); highest among the groups gnomAD compares: Non-Finnish European, 0.015%; no homozygotes.

Submissions (3):

PreventionGenetics, part of Exact Sciences
Classification: Uncertain significance for PKD1-related condition. Last evaluated: 2026-08-28. Review status: criteria provided, single submitter. Criteria: ACMG Guidelines, 2015. Collection method: clinical testing. Allele origin: germline.
Comment: The PKD1 c.890C>G variant is predicted to result in the amino acid substitution p.Pro297Arg. This variant was reported in an individual with autosomal dominant polycystic kidney disease (ADPKD) (Neumann et al. 2013. PubMed ID: 23300259); and it was also found in an individual with spontaneous coronary artery dissection (SCAD) (Carss et al. 2020. PubMed ID: 33125268). This variant is reported in 0.011% of alleles in individuals of European (Non-Finnish) descent in gnomAD. At this time, the clinical significance of this variant is uncertain due to the absence of conclusive functional and genetic evidence.

Fulgent Genetics
Classification: Uncertain significance for Polycystic kidney disease, adult type. Last evaluated: 2022-05-10. Review status: criteria provided, single submitter. Criteria: ACMG Guidelines, 2015. Collection method: clinical testing. Allele origin: unknown.

GeneDx
Classification: Uncertain significance. Last evaluated: 2020-11-17. Review status: criteria provided, single submitter. Criteria: GeneDx Variant Classification Process June 2021. Collection method: clinical testing. Allele origin: germline. Affected: yes.
Comment: In silico analysis supports that this missense variant does not alter protein structure/function; This variant is associated with the following publications: (PMID: 23300259, 33125268)

NM_001009944.3(PKD1):c.890C>G (p.Pro297Arg)

Gene: PKD1 (polycystin 1, transient receptor potential channel interacting; minus strand). Cytogenetic location: 16p13.3.
Variant type: single nucleotide variant.
Coding change: c.890C>G on transcript NM_001009944.3 (MANE Select); coding-DNA position 890, C replaced by G.
Protein change: p.Pro297Arg; replaces proline 297 with arginine.
Molecular consequence: missense variant.
Genome position (GRCh38, 1-based): chr16:2,118,102, G>C on the plus strand (C>G on the coding strand, the complement: PKD1 is on the minus strand). VCF-style: chr16-2118102-G-C. GRCh37 (hg19) VCF-style: chr16-2168103-G-C.
Other names: c.890C>G, p.Pro297Arg (NM_000296.4); short protein forms P297R.
Identifiers: ClinVar variation 1303019 (VCV001303019.4), dbSNP rs757527492, ClinGen allele CA7833643.